The following is an entry in ClinVar:

NM_000492.4(CFTR):c.4136+3G>A

Gene: CFTR (CF transmembrane conductance regulator; plus strand). Cytogenetic location: 7q31.2.
Variant type: single nucleotide variant.
Coding change: c.4136+3G>A on transcript NM_000492.4 (MANE Select); 3 bases into the intron after coding-DNA position 4136, G replaced by A.
Molecular consequence: intron variant.
Genome position (GRCh38, 1-based): chr7:117,664,863, G>A. VCF-style: chr7-117664863-G-A. GRCh37 (hg19) VCF-style: chr7-117304917-G-A.
Identifiers: ClinVar variation 824617 (VCV000824617.6), dbSNP rs1584849002, ClinGen allele CA915945456.

ClinVar aggregate classification (germline): Uncertain significance. Review status: criteria provided, single submitter (1 of 4 stars). 2 submissions from 2 submitters: Uncertain significance (1). 1 of the submissions does not count toward it. Last evaluated 2026-02-19.

Conditions:
Cystic fibrosis (CF). Also called: MUCOVISCIDOSIS. Identifiers: Orphanet 586, MedGen C0010674, MONDO:0009061, OMIM 219700. Disease mechanism: loss of function.

Allele frequency attached by ClinVar (database versions not stated): gnomAD exomes below 0.00001.
gnomAD v4.1: 2 of 1,613,814 alleles (0.00012%); highest among the groups gnomAD compares: Non-Finnish European, 0.00017%; no homozygotes.

Submissions (2):

Ambry Genetics
Classification: Uncertain significance for Cystic fibrosis. Last evaluated: 2026-02-19. Review status: criteria provided, single submitter. Criteria: Ambry Variant Classification Scheme 2023. Collection method: clinical testing. Allele origin: germline.
Comment: The c.4136+3G>A intronic variant results from a G to A substitution 3 nucleotides after coding exon 25 in the CFTR gene. This nucleotide position is not well conserved in available vertebrate species. In silico splice site analysis predicts that this alteration will not have any significant effect on splicing. Based on the available evidence, the clinical significance of this variant remains unclear.

Natera, Inc.
Classification: Uncertain significance for Cystic Fibrosis. Last evaluated: 2020-09-16. Review status: no assertion criteria provided. Collection method: clinical testing. Allele origin: germline. Not counted in ClinVar's aggregate classification.